The following is an entry in ClinVar:

ClinVar aggregate classification (germline): Pathogenic (1 of 4 stars; one submission).

Conditions:
CHARGE syndrome (CHARGE). Also called: Coloboma, heart anomaly, choanal atresia, retardation, genital and ear anomalies; CHARGE association; Hall-Hittner syndrome; Hittner Hirsch Kreh syndrome; CHARGE ASSOCIATION--COLOBOMA, HEART ANOMALY, CHOANAL ATRESIA, RETARDATION, GENITAL AND EAR ANOMALIES. Identifiers: Orphanet 138, MedGen C0265354, MONDO:0008965.

Submission:

Labcorp Genetics (formerly Invitae), Labcorp
Classification: Pathogenic for CHARGE syndrome. Last evaluated: 2021-07-18. Review status: criteria provided, single submitter. Criteria: Invitae Variant Classification Sherloc (09022015). Collection method: clinical testing. Allele origin: germline.
Comment: This sequence change creates a premature translational stop signal (p.Trp1966*) in the CHD7 gene. It is expected to result in an absent or disrupted protein product. Loss-of-function variants in CHD7 are known to be pathogenic (PMID: 22461308, 25077900). This variant is not present in population databases (ExAC no frequency). This premature translational stop signal has been observed in individual(s) with CHARGE syndrome (PMID: 22461308). Algorithms developed to predict the effect of sequence changes on RNA splicing suggest that this variant may create or strengthen a splice site. For these reasons, this variant has been classified as Pathogenic.

Literature cited by the submitters: PubMed 22461308; PubMed 25077900.

NM_017780.4(CHD7):c.5898G>A (p.Trp1966Ter)

Gene: CHD7 (chromodomain helicase DNA binding protein 7; plus strand). Cytogenetic location: 8q12.2.
Variant type: single nucleotide variant.
Coding change: c.5898G>A on transcript NM_017780.4 (MANE Select); coding-DNA position 5898, G replaced by A.
Protein change: p.Trp1966Ter; replaces tryptophan 1966 with a stop codon.
Molecular consequence: nonsense. On other transcripts: intron variant (1).
Genome position (GRCh38, 1-based): chr8:60,852,501, G>A. VCF-style: chr8-60852501-G-A. GRCh37 (hg19) VCF-style: chr8-61765060-G-A.
Other names: c.1717-9728G>A (NM_001316690.1); short protein forms W1966*.
Identifiers: ClinVar variation 1454692 (VCV001454692.6), dbSNP rs2150808654, ClinGen allele CA371323596.